The following is an entry in ClinVar:

ClinVar aggregate classification (germline): Pathogenic. Review status: criteria provided, multiple submitters, no conflicts (2 of 4 stars). 2 submissions from 2 submitters: Pathogenic (2). Last evaluated 2024-05-14.

Conditions:
Hermansky-Pudlak syndrome 3 (HPS3). Identifiers: Orphanet 231512, Orphanet 79430, MedGen C3888001, MONDO:0013555, OMIM 614072.

Submissions (2):

Myriad Genetics, Inc.
Classification: Pathogenic for Hermansky-Pudlak syndrome 3. Last evaluated: 2024-05-14. Review status: criteria provided, single submitter. Criteria: Myriad Autosomal Dominant, Autosomal Recessive and X-Linked Classification Criteria (2023). Collection method: clinical testing. Allele origin: unknown.
Comment: NM_032383.3(HPS3):c.2167C>T(Q723*) is expected to be pathogenic in the context of Hermansky-Pudlak syndrome, HPS3-related. This variant is predicted to lead to an abnormal or absent protein product due to the creation of a premature termination codon in HPS3, a gene where loss-of-function variants are known to be pathogenic. Please note: this variant was assessed in the context of healthy population screening.

Labcorp Genetics (formerly Invitae), Labcorp
Classification: Pathogenic. Last evaluated: 2023-05-01. Review status: criteria provided, single submitter. Criteria: Invitae Variant Classification Sherloc (09022015). Collection method: clinical testing. Allele origin: germline.
Comment: This sequence change creates a premature translational stop signal (p.Gln723*) in the HPS3 gene. It is expected to result in an absent or disrupted protein product. Loss-of-function variants in HPS3 are known to be pathogenic (PMID: 11590544). This variant is not present in population databases (gnomAD no frequency). This variant has not been reported in the literature in individuals affected with HPS3-related conditions. ClinVar contains an entry for this variant (Variation ID: 1453803). For these reasons, this variant has been classified as Pathogenic.

Literature cited by the submitters: PubMed 11590544 (cited by Labcorp Genetics (formerly Invitae), Labcorp).

NM_032383.5(HPS3):c.2167C>T (p.Gln723Ter)

Gene: HPS3 (HPS3 biogenesis of lysosomal organelles complex 2 subunit 1; plus strand). Cytogenetic location: 3q24.
Variant type: single nucleotide variant.
Coding change: c.2167C>T on transcript NM_032383.5 (MANE Select); coding-DNA position 2167, C replaced by T.
Protein change: p.Gln723Ter; replaces glutamine 723 with a stop codon.
Molecular consequence: nonsense.
Genome position (GRCh38, 1-based): chr3:149,162,208, C>T. VCF-style: chr3-149162208-C-T. GRCh37 (hg19) VCF-style: chr3-148879995-C-T.
Other names: c.1672C>T, p.Gln558Ter (NM_001308258.2); short protein forms Q723*, Q558*.
Identifiers: ClinVar variation 1453803 (VCV001453803.7), dbSNP rs866231304, ClinGen allele CA354923962.
Genomic context (GRCh38, chr3:149,162,208, plus strand): 5'-ATGAAGTTGGTATGTGGCTTCATTCTGGAACCTCGGCTGTTGATTCAACAGAGAAAGGGA[C>T]AGATTGTTCCAACCGAGCTTGCACTTCACTTGAAGGAAACTCAGCCTGGATTGCTTGTGG-3'